The following is an entry in ClinVar:

NM_001042492.3(NF1):c.5122T>A (p.Phe1708Ile)

Gene: NF1 (neurofibromin 1; plus strand). Cytogenetic location: 17q11.2.
Variant type: single nucleotide variant.
Coding change: c.5122T>A on transcript NM_001042492.3 (MANE Select); coding-DNA position 5122, T replaced by A.
Protein change: p.Phe1708Ile; replaces phenylalanine 1708 with isoleucine.
Molecular consequence: missense variant.
Genome position (GRCh38, 1-based): chr17:31,326,106, T>A. VCF-style: chr17-31326106-T-A. GRCh37 (hg19) VCF-style: chr17-29653124-T-A.
Other names: c.5059T>A, p.Phe1687Ile (NM_000267.4); short protein forms F1687I, F1708I.
Identifiers: ClinVar variation 4800776 (VCV004800776.1).

ClinVar aggregate classification (germline): Uncertain significance (1 of 4 stars; one submission).

Conditions:
Neurofibromatosis, type 1 (NF1). Also called: VON RECKLINGHAUSEN DISEASE; Neurofibromatosis, type I; NEUROFIBROMATOSIS, TYPE I, SOMATIC; Peripheral type neurofibromatosis. Identifiers: Orphanet 636, MedGen C0027831, MONDO:0018975, OMIM 162200. Disease mechanism: loss of function.

Submission:

Labcorp Genetics (formerly Invitae), Labcorp
Classification: Uncertain significance for Neurofibromatosis, type 1. Last evaluated: 2025-06-20. Review status: criteria provided, single submitter. Criteria: Invitae Variant Classification Sherloc (09022015). Collection method: clinical testing. Allele origin: germline.
Comment: This sequence change replaces phenylalanine, which is neutral and non-polar, with isoleucine, which is neutral and non-polar, at codon 1687 of the NF1 protein (p.Phe1687Ile). This variant is not present in population databases (gnomAD no frequency). This variant has not been reported in the literature in individuals affected with NF1-related conditions. Invitae Evidence Modeling of protein sequence and biophysical properties (such as structural, functional, and spatial information, amino acid conservation, physicochemical variation, residue mobility, and thermodynamic stability) indicates that this missense variant is expected to disrupt NF1 protein function with a positive predictive value of 95%. In summary, the available evidence is currently insufficient to determine the role of this variant in disease. Therefore, it has been classified as a Variant of Uncertain Significance.